The following is an entry in ClinVar:

ClinVar aggregate classification (germline): Uncertain significance. Review status: criteria provided, multiple submitters, no conflicts (2 of 4 stars). 2 submissions from 2 submitters: Uncertain significance (2). Last evaluated 2024-01-09.

Allele frequency attached by ClinVar (database versions not stated): ExAC 0.00002; gnomAD 0.00003; gnomAD exomes 0.00003; TOPMed 0.00003; ESP Exome Variant Server 0.00008.
gnomAD v4.1: 44 of 1,611,990 alleles (0.0027%); highest among the groups gnomAD compares: East Asian, 0.0067%; no homozygotes.

Submissions (2):

Ambry Genetics
Classification: Uncertain significance. Last evaluated: 2024-01-09. Review status: criteria provided, single submitter. Criteria: Ambry Variant Classification Scheme 2023. Collection method: clinical testing. Allele origin: germline.

GeneDx
Classification: Uncertain significance. Last evaluated: 2023-06-06. Review status: criteria provided, single submitter. Criteria: GeneDx Variant Classification Process June 2021. Collection method: clinical testing. Allele origin: germline. Affected: yes.
Comment: In silico analysis supports that this missense variant does not alter protein structure/function; Has not been previously published as pathogenic or benign to our knowledge

NM_017757.3(ZNF407):c.6154G>A (p.Ala2052Thr)

Gene: ZNF407 (zinc finger protein 407; plus strand). Cytogenetic location: 18q22.3.
Variant type: single nucleotide variant.
Coding change: c.6154G>A on transcript NM_017757.3 (MANE Select); coding-DNA position 6154, G replaced by A.
Protein change: p.Ala2052Thr; replaces alanine 2052 with threonine.
Molecular consequence: missense variant.
Genome position (GRCh38, 1-based): chr18:75,063,875, G>A. VCF-style: chr18-75063875-G-A. GRCh37 (hg19) VCF-style: chr18-72775831-G-A.
Other names: c.6154G>A, p.Ala2052Thr (NM_001384475.1); short protein forms A2052T.
Identifiers: ClinVar variation 3195564 (VCV003195564.2), dbSNP rs186540199, ClinGen allele CA9001312.
Genomic context (GRCh38, chr18:75,063,875, plus strand): 5'-GCTGCCGACCCCGAGGCCCCCGAGATCCAGATGTTCCCACAGGCCCAGGAGAGCCCGGCC[G>A]CCGTGGAGGTGCTCACCCAGGTGGTCCATCCCTCAGCAGCCATGGCCTCTCAGGAGCGGG-3'
Protein context (NP_060227.2, residues 2042-2062): MFPQAQESPA[Ala2052Thr]VEVLTQVVHP